The following is an entry in ClinVar:

ClinVar aggregate classification (germline): Likely benign (1 of 4 stars; one submission).

Submission:

GeneDx
Classification: Likely benign. Last evaluated: 2017-10-25. Review status: criteria provided, single submitter. Criteria: GeneDx Variant Classification (06012015). Collection method: clinical testing. Allele origin: germline. Affected: yes.
Comment: This variant is considered likely benign or benign based on one or more of the following criteria: it is a conservative change, it occurs at a poorly conserved position in the protein, it is predicted to be benign by multiple in silico algorithms, and/or has population frequency not consistent with disease.

NM_002880.4(RAF1):c.835-20G>C

Gene: RAF1 (Raf-1 proto-oncogene, serine/threonine kinase; minus strand). Cytogenetic location: 3p25.2.
Variant type: single nucleotide variant.
Coding change: c.835-20G>C on transcript NM_002880.4 (MANE Select); 20 bases into the intron before coding-DNA position 835, G replaced by C.
Molecular consequence: intron variant.
Genome position (GRCh38, 1-based): chr3:12,600,435, C>G on the plus strand (G>C on the coding strand, the complement: RAF1 is on the minus strand). VCF-style: chr3-12600435-C-G. GRCh37 (hg19) VCF-style: chr3-12641934-C-G.
Other names: c.493-20G>C (NM_001354695.3); c.592-20G>C (NM_001354692.3, NM_001354691.3); c.652-20G>C (NM_001354694.3); c.736-20G>C (NM_001354693.3); c.895-20G>C (NM_001354689.3); c.835-20G>C (NM_001354690.3).
Identifiers: ClinVar variation 512837 (VCV000512837.1), dbSNP rs745899008, ClinGen allele CA658796242.